The following is an entry in ClinVar:

NM_001385.3(DPYS):c.154C>T (p.Leu52Phe)

Gene: DPYS (dihydropyrimidinase; minus strand). Cytogenetic location: 8q22.3.
Variant type: single nucleotide variant.
Coding change: c.154C>T on transcript NM_001385.3 (MANE Select); coding-DNA position 154, C replaced by T.
Protein change: p.Leu52Phe; replaces leucine 52 with phenylalanine.
Molecular consequence: missense variant.
Genome position (GRCh38, 1-based): chr8:104,466,767, G>A on the plus strand (C>T on the coding strand, the complement: DPYS is on the minus strand). VCF-style: chr8-104466767-G-A. GRCh37 (hg19) VCF-style: chr8-105478995-G-A.
Other names: short protein forms L52F.
Identifiers: ClinVar variation 4742997 (VCV004742997.1).

ClinVar aggregate classification (germline): Uncertain significance (1 of 4 stars; one submission).

Submission:

Labcorp Genetics (formerly Invitae), Labcorp
Classification: Uncertain significance. Last evaluated: 2025-06-05. Review status: criteria provided, single submitter. Criteria: Invitae Variant Classification Sherloc (09022015). Collection method: clinical testing. Allele origin: germline.
Comment: This sequence change replaces leucine, which is neutral and non-polar, with phenylalanine, which is neutral and non-polar, at codon 52 of the DPYS protein (p.Leu52Phe). This variant is not present in population databases (gnomAD no frequency). This variant has not been reported in the literature in individuals affected with DPYS-related conditions. Invitae Evidence Modeling of protein sequence and biophysical properties (such as structural, functional, and spatial information, amino acid conservation, physicochemical variation, residue mobility, and thermodynamic stability) indicates that this missense variant is not expected to disrupt DPYS protein function with a negative predictive value of 80%. In summary, the available evidence is currently insufficient to determine the role of this variant in disease. Therefore, it has been classified as a Variant of Uncertain Significance.